The following is an entry in ClinVar:

NM_138694.4(PKHD1):c.8672G>A (p.Arg2891His)

Gene: PKHD1 (PKHD1 ciliary IPT domain containing fibrocystin/polyductin; minus strand). Cytogenetic location: 6p12.3.
Variant type: single nucleotide variant.
Coding change: c.8672G>A on transcript NM_138694.4 (MANE Select); coding-DNA position 8672, G replaced by A.
Protein change: p.Arg2891His; replaces arginine 2891 with histidine.
Molecular consequence: missense variant.
Genome position (GRCh38, 1-based): chr6:51,754,909, C>T on the plus strand (G>A on the coding strand, the complement: PKHD1 is on the minus strand). VCF-style: chr6-51754909-C-T. GRCh37 (hg19) VCF-style: chr6-51619707-C-T.
Other names: c.8672G>A, p.Arg2891His (NM_170724.3); short protein forms R2891H.
Identifiers: ClinVar variation 3306982 (VCV003306982.3).
Genomic context (GRCh38, chr6:51,754,909, plus strand): 5'-AGGACCTCTGCTTCATGAGGCTCATAAGAAGAGGAGCTAAGGACTATTTTGTCATGGGGG[C>T]GCCAATCCACTGCATCTTCTACTATAATTCTGTAACAGCATAACAATGGCATTGGATATA-3'
Protein context (NP_619639.3, residues 2881-2901): RIIVEDAVDW[Arg2891His]PHDKIVLSSS

ClinVar aggregate classification (germline): Uncertain significance. Review status: criteria provided, multiple submitters, no conflicts (2 of 4 stars). 3 submissions from 3 submitters: Uncertain significance (3). Last evaluated 2025-08-18.

Conditions:
Inborn genetic diseases. Identifiers: MedGen C0950123, MeSH D030342.
PKHD1-related disorder. Also called: PKHD1-related condition.

gnomAD v4.1: 19 of 1,613,074 alleles (0.0012%); highest among the groups gnomAD compares: East Asian, 0.0067%; no homozygotes.

Submissions (3):

PreventionGenetics, part of Exact Sciences
Classification: Uncertain significance for PKHD1-related condition. Last evaluated: 2025-08-18. Review status: criteria provided, single submitter. Criteria: ACMG Guidelines, 2015. Collection method: clinical testing. Allele origin: germline.
Comment: The PKHD1 c.8672G>A variant is predicted to result in the amino acid substitution p.Arg2891His. To our knowledge, this variant has not been reported in the literature. This variant is reported in 0.010% of alleles in individuals of East Asian descent in gnomAD. At this time, the clinical significance of this variant is uncertain due to the absence of conclusive functional and genetic evidence.

GeneDx
Classification: Uncertain significance. Last evaluated: 2024-11-05. Review status: criteria provided, single submitter. Criteria: GeneDx Variant Classification Process June 2021. Collection method: clinical testing. Allele origin: germline. Affected: yes.
Comment: Not observed at significant frequency in large population cohorts (gnomAD); In silico analysis indicates that this missense variant does not alter protein structure/function; Has not been previously published as pathogenic or benign to our knowledge

Ambry Genetics
Classification: Uncertain significance for Inborn genetic diseases. Last evaluated: 2024-06-13. Review status: criteria provided, single submitter. Criteria: Ambry Variant Classification Scheme 2023. Collection method: clinical testing. Allele origin: germline.